The following is an entry in ClinVar:

ClinVar aggregate classification (germline): Likely benign. Review status: criteria provided, multiple submitters, no conflicts (2 of 4 stars). 6 submissions from 6 submitters: Likely benign (4). 2 of the submissions do not count toward it. Last evaluated 2025-12-02.

Conditions:
MYH6-related disorder. Also called: MYH6-Related Disorders; MYH6-related condition.
Cardiovascular phenotype. Identifiers: MedGen CN230736.
Hypertrophic cardiomyopathy 14. Identifiers: MedGen C2750467, MONDO:0013197, OMIM 613251.

Allele frequency attached by ClinVar (database versions not stated): TOPMed 0.00002; gnomAD 0.00003 and 0.00004; gnomAD exomes 0.00006; ExAC 0.00007; 1000 Genomes Project 30x 0.00016; 1000 Genomes Project 0.00020.

Submissions (6):

PreventionGenetics, part of Exact Sciences
Classification: Likely benign for MYH6-related condition. Last evaluated: 2025-12-02. Review status: criteria provided, single submitter. Criteria: ACMG Guidelines, 2015. Collection method: clinical testing. Allele origin: germline.
Comment: This variant is classified as likely benign based on ACMG/AMP sequence variant interpretation guidelines (Richards et al. 2015 PMID: 25741868, with internal and published modifications).

Blueprint Genetics
Classification: Likely benign. Last evaluated: 2024-10-03. Review status: criteria provided, single submitter. Criteria: ACMG Guidelines, 2015. Collection method: clinical testing. Allele origin: germline.

Labcorp Genetics (formerly Invitae), Labcorp
Classification: Likely benign for Hypertrophic cardiomyopathy 14. Last evaluated: 2024-08-28. Review status: criteria provided, single submitter. Criteria: Invitae Variant Classification Sherloc (09022015). Collection method: clinical testing. Allele origin: germline.

Ambry Genetics
Classification: Likely benign for Cardiovascular phenotype. Last evaluated: 2020-05-15. Review status: criteria provided, single submitter. Criteria: Ambry Variant Classification Scheme 2023. Collection method: clinical testing. Allele origin: germline.

Clinical Genetics DNA and cytogenetics Diagnostics Lab, Erasmus MC, Erasmus Medical Center
Classification: Likely benign. Review status: no assertion criteria provided. Collection method: clinical testing. Allele origin: germline. Affected: yes. Study: VKGL Data-share Consensus. Not counted in ClinVar's aggregate classification.

Clinical Genetics, Academic Medical Center
Classification: Benign. Review status: no assertion criteria provided. Collection method: clinical testing. Allele origin: germline. Affected: yes. Study: VKGL Data-share Consensus. Not counted in ClinVar's aggregate classification.

NM_002471.4(MYH6):c.4368C>T (p.Ala1456=)

Gene: MYH6 (myosin heavy chain 6; minus strand). Cytogenetic location: 14q11.2.
Variant type: single nucleotide variant.
Coding change: c.4368C>T on transcript NM_002471.4 (MANE Select); coding-DNA position 4368, C replaced by T.
Protein change: p.Ala1456=; no amino-acid change (alanine 1456 retained).
Molecular consequence: synonymous variant.
Genome position (GRCh38, 1-based): chr14:23,387,915, G>A on the plus strand (C>T on the coding strand, the complement: MYH6 is on the minus strand). VCF-style: chr14-23387915-G-A. GRCh37 (hg19) VCF-style: chr14-23857124-G-A.
Identifiers: ClinVar variation 767145 (VCV000767145.17), dbSNP rs554188494, ClinGen allele CA7114781.